The following is an entry in ClinVar:

NM_001005361.3(DNM2):c.2435G>A (p.Arg812Gln)

Gene: DNM2 (dynamin 2; plus strand). Cytogenetic location: 19p13.2.
Variant type: single nucleotide variant.
Coding change: c.2435G>A on transcript NM_001005361.3 (MANE Select); coding-DNA position 2435, G replaced by A.
Protein change: p.Arg812Gln; replaces arginine 812 with glutamine.
Molecular consequence: missense variant.
Genome position (GRCh38, 1-based): chr19:10,830,270, G>A. VCF-style: chr19-10830270-G-A. GRCh37 (hg19) VCF-style: chr19-10940946-G-A.
Other names: c.2435G>A, p.Arg812Gln (NM_001005360.3, NM_001190716.2); c.2423G>A, p.Arg808Gln (NM_001005362.3, NM_004945.4); short protein forms R808Q, R812Q.
Identifiers: ClinVar variation 640060 (VCV000640060.32), dbSNP rs1285468865, ClinGen allele CA404044027.

ClinVar aggregate classification (germline): Uncertain significance. Review status: criteria provided, multiple submitters, no conflicts (2 of 4 stars). 2 submissions from 2 submitters: Uncertain significance (2). Last evaluated 2022-08-01.

Conditions:
Charcot-Marie-Tooth disease dominant intermediate B (CMTDIB). Also called: Charcot-Marie-Tooth disease dominant intermediate 1; CMT DI1; Charcot-Marie-Tooth disease dominant intermediate I; CHARCOT-MARIE-TOOTH NEUROPATHY, DOMINANT INTERMEDIATE B. Identifiers: Orphanet 100044, Orphanet 228179, MedGen C1847902, MONDO:0011674, OMIM 606482.

Allele frequency attached by ClinVar (database versions not stated): TOPMed below 0.00001.

Submissions (2):

CeGaT Center for Human Genetics Tuebingen
Classification: Uncertain significance. Last evaluated: 2022-08-01. Review status: criteria provided, single submitter. Criteria: CeGaT Center For Human Genetics Tuebingen Variant Classification Criteria Version 2. Collection method: clinical testing. Allele origin: germline. Affected: yes. Observed: 1 variant allele.
Comment: DNM2: PM2

Labcorp Genetics (formerly Invitae), Labcorp
Classification: Uncertain significance for Charcot-Marie-Tooth disease dominant intermediate B. Last evaluated: 2018-09-18. Review status: criteria provided, single submitter. Criteria: Invitae Variant Classification Sherloc (09022015). Collection method: clinical testing. Allele origin: germline.
Comment: This sequence change replaces arginine with glutamine at codon 812 of the DNM2 protein (p.Arg812Gln). The arginine residue is moderately conserved and there is a small physicochemical difference between arginine and glutamine. This variant is not present in population databases (ExAC no frequency). This variant has not been reported in the literature in individuals with DNM2-related disease. Algorithms developed to predict the effect of missense changes on protein structure and function are either unavailable or do not agree on the potential impact of this missense change (SIFT: "Deleterious"; PolyPhen-2: "Possibly Damaging"; Align-GVGD: "Class C0"). Algorithms developed to predict the effect of sequence changes on RNA splicing suggest that this variant may create or strengthen a splice site, but this prediction has not been confirmed by published transcriptional studies. In summary, the available evidence is currently insufficient to determine the role of this variant in disease. Therefore, it has been classified as a Variant of Uncertain Significance.